The following is an entry in ClinVar:

ClinVar aggregate classification (germline): Uncertain significance (1 of 4 stars; one submission).

Submission:

Dasa
Classification: Uncertain significance. Last evaluated: 2025-05-08. Review status: criteria provided, single submitter. Criteria: DASA Assertion Criteria. Collection method: clinical testing. Allele origin: germline.
Comment: NM_006097.5(MYL9):c.140G>C (p.Gly47Ala) is a missense variant that results in the substitution of glycine with alanine. This variant has been observed in affected individuals with MYL9-related disorders. Also, this variant is absent from population databases. Computational prediction algorithms are consistent with a deleterious effect. The currently available literature and clinical evidence are not sufficient to establish a definitive association between this variant and the reported condition. Therefore, this variant is classified as a variant of uncertain significance.

NM_006097.5(MYL9):c.140G>C (p.Gly47Ala)

Genes: MYL9 (myosin light chain 9; plus strand), DLGAP4-AS1 (DLGAP4 antisense RNA 1; minus strand). Cytogenetic location: 20q11.23.
Variant type: single nucleotide variant.
Coding change: c.140G>C on transcript NM_006097.5 (MANE Select); coding-DNA position 140, G replaced by C.
Protein change: p.Gly47Ala; replaces glycine 47 with alanine.
Molecular consequence: missense variant.
Genome position (GRCh38, 1-based): chr20:36,545,024, G>C. VCF-style: chr20-36545024-G-C. GRCh37 (hg19) VCF-style: chr20-35173427-G-C.
Other names: c.140G>C, p.Gly47Ala (NM_181526.3); short protein forms G47A.
Identifiers: ClinVar variation 4886181 (VCV004886181.2).